The following is an entry in ClinVar:

ClinVar aggregate classification (germline): Benign. Review status: criteria provided, multiple submitters, no conflicts (2 of 4 stars). 2 submissions from 2 submitters: Benign (2). Last evaluated 2026-05-18.

Conditions:
Renal hypomagnesemia 6. Identifiers: Orphanet 34527, MedGen C3151295, MONDO:0013480, OMIM 613882.

Allele frequency attached by ClinVar (database versions not stated): 1000 Genomes Project 30x 0.00328; 1000 Genomes Project 0.00379; gnomAD exomes 0.00460; gnomAD 0.00554 and 0.00559; TOPMed 0.00576.
gnomAD v4.1: 854 of 152,756 alleles (0.56%); highest among the groups gnomAD compares: Middle Eastern, 1.4%; 7 homozygotes.

Submissions (2):

Revvity Omics, Revvity
Classification: Benign. Last evaluated: 2026-05-18. Review status: criteria provided, single submitter. Criteria: ACMG Guidelines, 2015. Collection method: clinical testing. Allele origin: germline.

Illumina Laboratory Services, Illumina
Classification: Benign for Renal hypomagnesemia 6. Last evaluated: 2018-01-12. Review status: criteria provided, single submitter. Criteria: ICSL Variant Classification Criteria 13 December 2019. Collection method: clinical testing. Allele origin: germline.
Comment: This variant was observed in the ICSL laboratory as part of a predisposition screen in an ostensibly healthy population. It had not been previously curated by ICSL or reported in the Human Gene Mutation Database (HGMD: prior to June 1st, 2018), and was therefore a candidate for classification through an automated scoring system. Utilizing variant allele frequency, disease prevalence and penetrance estimates, and inheritance mode, an automated score was calculated to assess if this variant is too frequent to cause the disease. Based on the score and internal cut-off values, a variant classified as benign is not then subjected to further curation. The score for this variant resulted in a classification of benign for this disease.

NM_017649.5(CNNM2):c.*619A>G

Gene: CNNM2 (cyclin and CBS domain divalent metal cation transport mediator 2; plus strand). Cytogenetic location: 10q24.32.
Variant type: single nucleotide variant.
Coding change: c.*619A>G on transcript NM_017649.5 (MANE Select); 619 bases downstream of the stop codon, A replaced by G.
Molecular consequence: 3 prime UTR variant.
Genome position (GRCh38, 1-based): chr10:103,077,799, A>G. VCF-style: chr10-103077799-A-G. GRCh37 (hg19) VCF-style: chr10-104837556-A-G.
Other names: c.*619A>G (NM_199076.3).
Identifiers: ClinVar variation 298658 (VCV000298658.6), dbSNP rs138807273, ClinGen allele CA10627972.